The following is an entry in ClinVar:

NM_000059.4(BRCA2):c.9242T>C (p.Val3081Ala)

Gene: BRCA2 (BRCA2 DNA repair associated; plus strand). Cytogenetic location: 13q13.1.
Variant type: single nucleotide variant.
Coding change: c.9242T>C on transcript NM_000059.4 (MANE Select); coding-DNA position 9242, T replaced by C.
Protein change: p.Val3081Ala; replaces valine 3081 with alanine.
Molecular consequence: missense variant.
Genome position (GRCh38, 1-based): chr13:32,380,131, T>C. VCF-style: chr13-32380131-T-C. GRCh37 (hg19) VCF-style: chr13-32954268-T-C.
Other names: p.V3081A:GTT>GCT; 9470T>C; short protein forms V3081A.
Identifiers: ClinVar variation 38222 (VCV000038222.64), dbSNP rs80359189, ClinGen allele CA026046.
Genomic context (GRCh38, chr13:32,380,131, plus strand): 5'-TAGATCCAGACTTTCAGCCATCTTGTTCTGAGGTGGACCTAATAGGATTTGTCGTTTCTG[T>C]TGTGAAAAAAACAGGTAATGCACAATATAGTTAATTTTTTTTATTGATTCTTTTAAAAAA-3'
Protein context (NP_000050.3, residues 3071-3091): EVDLIGFVVS[Val3081Ala]VKKTGLAPFV

ClinVar aggregate classification (germline): Conflicting classifications of pathogenicity. Review status: criteria provided, conflicting classifications (1 of 4 stars). 16 submissions from 16 submitters: Uncertain significance (3); Benign (1); Likely benign (10). 2 of the submissions do not count toward it. Last evaluated 2025-12-15.

Conditions:
BRCA2-related disorder. Also called: BRCA2-related condition; BRCA2-related disorders. Identifiers: MedGen CN239275.
Hereditary cancer-predisposing syndrome. Also called: Neoplastic Syndromes, Hereditary; Tumor predisposition; Hereditary Cancer Syndrome; Hereditary neoplastic syndrome. Identifiers: Orphanet 140162, MedGen C0027672, MeSH D009386, MONDO:0015356.
Familial prostate cancer. Also called: Hereditary Prostate Cancer. Identifiers: MedGen C2931456, MONDO:0700275, OMIM 176807.
Hereditary breast ovarian cancer syndrome. Also called: Breast and ovarian cancer; Hereditary breast and ovarian cancer; Hereditary breast and ovarian cancer syndrome (HBOC); Hereditary breast and ovarian cancer syndrome; BRCA1- and BRCA2-Associated Hereditary Breast and Ovarian Cancer; Hereditary breast and/or ovarian cancer syndrome. Identifiers: Orphanet 145, MedGen C0677776, MeSH D061325, MONDO:0003582. Disease mechanism: loss of function.
Breast-ovarian cancer, familial, susceptibility to, 2 (BROVCA2). Also called: BRCA2 Hereditary Breast and Ovarian Cancer. Identifiers: Orphanet 145, MedGen C2675520, MONDO:0012933, OMIM 612555. Disease mechanism: loss of function.

Allele frequency attached by ClinVar (database versions not stated): gnomAD 0.00001; gnomAD exomes 0.00001; ExAC 0.00002; TOPMed 0.00002.
gnomAD v4.1: 22 of 1,612,824 alleles (0.0014%); highest among the groups gnomAD compares: Middle Eastern, 0.016%; no homozygotes.

Submissions (16):

Labcorp Genetics (formerly Invitae), Labcorp
Classification: Likely benign for Hereditary breast ovarian cancer syndrome. Last evaluated: 2025-12-15. Review status: criteria provided, single submitter. Criteria: Invitae Variant Classification Sherloc (09022015). Collection method: clinical testing. Allele origin: germline.

PreventionGenetics, part of Exact Sciences
Classification: Likely benign for BRCA2-related condition. Last evaluated: 2025-07-23. Review status: criteria provided, single submitter. Criteria: ACMG Guidelines, 2015. Collection method: clinical testing. Allele origin: germline.
Comment: This variant is classified as likely benign based on ACMG/AMP sequence variant interpretation guidelines (Richards et al. 2015 PMID: 25741868, with internal and published modifications).

Center for Genomic Medicine, Rigshospitalet, Copenhagen University Hospital
Classification: Likely benign. Last evaluated: 2025-03-04. Review status: criteria provided, single submitter. Criteria: ACMG Guidelines, 2015. Collection method: clinical testing. Allele origin: germline.

Molecular Diagnostics Laboratory, Catalan Institute of Oncology
Classification: Benign for Hereditary cancer-predisposing syndrome. Last evaluated: 2025-01-08. Review status: criteria provided, single submitter. Criteria: ClinGen BRCA1BRCA2 ACMG Specifications BRCA2 V1.0.0. Collection method: clinical testing. Allele origin: germline.
Comment: BS3, BP4, BP5_Strong c.9242T>C, located in exon 24 of the BRCA2 gene, knowing as a (potentially) clinically important functional domain, is predicted to result in the substitution of valine by alanine at codon 3081, p.(Val3081Ala). This variant is found in 3/267199 alleles at a frequency of 0.0011% in the gnomAD v2.1.1 database, non-cancer dataset. The SpliceAI algorithm predicts no significant impact on splicing and the BayesDel_noAF predictor score for this variant (0.107) suggests that it does not affect the protein function (BP4). It was reported by one calibrated study to affect protein function similar to benign control variants (PMID: 33609447) (BS3). This alteration was classified as a likely benign variant in a multifactorial likelihood analysis showing a Combined LR for clinical data indicative of strong evidence towards benign (LR 0.0139), based on co-segregation LR 1.8196, tumor pathology LR 0.89, co-occurrence LR 1.1293 and family history LR 0.774 (PMID: 31131967) (BP5_Strong). In addition, the variant was also identified in the following databases: BRCA Exchange (Not Yet Reviewed), ClinVar (8x likely benign, 6x uncertain significance) and LOVD (4x uncertain significance). Based on the currently available information, c.9242T>C is classified as a benign variant according to ClinGen-BRCA2 Guidelines version v1.0.0.

Women's Health and Genetics/Laboratory Corporation of America, LabCorp
Classification: Likely benign. Last evaluated: 2024-04-17. Review status: criteria provided, single submitter. Criteria: LabCorp Variant Classification Summary - May 2015. Collection method: clinical testing. Allele origin: germline.
Comment: Variant summary: BRCA2 c.9242T>C (p.Val3081Ala) results in a non-conservative amino acid change located in the OB3 fold (IPR015188) of the encoded protein sequence. Five of five in-silico tools predict a damaging effect of the variant on protein function. The variant allele was found at a frequency of 2e-05 in 347936 control chromosomes. The available data on variant occurrences in the general population are insufficient to allow any conclusion about variant significance. c.9242T>C, has been reported in the literature in individuals affected with Hereditary Breast and Ovarian Cancer Syndrome and related tumor phenotypes, it was also found in several healthy controls (Grant_2015, Shimelis_2017, Zuntini_2018, Al Hannan_2019). Co-occurrences with other pathogenic variant(s) have been reported (BRCA2 c.8364G>A, p.Trp2788X; in UMD), providing supporting evidence for a benign role. An in vitro functional study reported that this variant results in an activity comparable to the wild type in homology-directed DNA repair (HDR) assays (Guidugli_2018, Hart_2018). In addition, a recent multifactorial likelihood analysis predicted this variant to be Likely Benign (Parsons_2019). The following publications have been ascertained in the context of this evaluation (PMID: 19043619, 25479140, 28283652, 30254663, 29884841, 29394989, 31131967, 31131559). ClinVar contains an entry for this variant (Variation ID: 38222). Based on the evidence outlined above, the variant was classified as likely benign.

Quest Diagnostics Nichols Institute San Juan Capistrano
Classification: Likely benign. Last evaluated: 2024-02-09. Review status: criteria provided, single submitter. Criteria: Quest Diagnostics criteria. Collection method: clinical testing. Allele origin: unknown.

CeGaT Center for Human Genetics Tuebingen
Classification: Likely benign. Last evaluated: 2022-06-01. Review status: criteria provided, single submitter. Criteria: CeGaT Center For Human Genetics Tuebingen Variant Classification Criteria Version 2. Collection method: clinical testing. Allele origin: germline. Affected: yes. Observed: 1 variant allele.
Comment: BRCA2: BP1, BS3:Supporting

Department of Pathology and Laboratory Medicine, Sinai Health System
Classification: Likely benign for Familial prostate cancer. Last evaluated: 2022-03-18. Review status: criteria provided, single submitter. Criteria: ACMG Guidelines, 2015. Collection method: clinical testing. Allele origin: germline. Affected: yes.

Institute for Clinical Genetics, University Hospital TU Dresden, University Hospital TU Dresden
Classification: Uncertain significance. Last evaluated: 2021-11-03. Review status: criteria provided, single submitter. Criteria: ACMG Guidelines, 2015. Collection method: clinical testing. Allele origin: germline.

St. Jude Molecular Pathology, St. Jude Children's Research Hospital
Classification: Uncertain significance for Hereditary breast ovarian cancer syndrome. Last evaluated: 2021-08-02. Review status: criteria provided, single submitter. Criteria: St. Jude Assertion Criteria 2020. Collection method: clinical testing. Allele origin: germline.
Comment: The BRCA2 c.9242T>C (p.Val3081Ala) missense change has a maximum subpopulation frequency of 0.0033% in gnomAD v2.1.1 (PM2_supporting). Seven of seven in silico tools predict a deleterious effect of this variant on protein function, however an in vitro functional study reported that this variant results in an activity comparable to the wild type in homology-directed DNA repair (HDR) assays (BS3; PMID: 29394989). A large case control study of 41,890 European breast cancer patients and 41,607 European controls indicated that the variant is present in approximately equal proportions of cases and controls with an odds ratio of less than or equal to 1 (PMID: 28283652). This variant has been reported to co-occur with a pathogenic variant, BRCA2 c.8364G>A, p.Trp2788X (BP2; UMD database). In summary, this variant meets criteria to be classified as of uncertain significance based on the ACMG/AMP criteria: PM2_supporting, BS3, BP2.

GeneDx
Classification: Likely benign. Last evaluated: 2019-09-10. Review status: criteria provided, single submitter. Criteria: GeneDx Variant Classification Process June 2021. Collection method: clinical testing. Allele origin: germline. Affected: yes.
Comment: In silico analysis, which includes protein predictors and evolutionary conservation, supports that this variant does not alter protein structure/function; This variant is associated with the following publications: (PMID: 19043619, 25479140, 32123317, 25348012, 28283652, 10923033, 29394989, 28873162, 31131559, 30254663, 31131967, 29884841)

Mendelics
Classification: Uncertain significance for Breast-ovarian cancer, familial, susceptibility to, 2. Last evaluated: 2019-05-28. Review status: criteria provided, single submitter. Criteria: Mendelics Assertion Criteria 2017. Collection method: clinical testing. Allele origin: unknown.

Ambry Genetics
Classification: Likely benign for Hereditary cancer-predisposing syndrome. Last evaluated: 2018-10-08. Review status: criteria provided, single submitter. Criteria: Ambry Variant Classification Scheme 2023. Collection method: clinical testing. Allele origin: germline.

Color Diagnostics, LLC DBA Color Health
Classification: Likely benign for Hereditary cancer-predisposing syndrome. Last evaluated: 2016-04-22. Review status: criteria provided, single submitter. Criteria: ACMG Guidelines, 2015. Collection method: clinical testing. Allele origin: germline.

Sharing Clinical Reports Project (SCRP)
Classification: Likely benign for Breast-ovarian cancer, familial 2. Last evaluated: 2012-03-27. Review status: no assertion criteria provided. Collection method: clinical testing. Allele origin: germline. Not counted in ClinVar's aggregate classification.

Breast Cancer Information Core (BIC) (BRCA2)
Classification: Uncertain significance for Breast-ovarian cancer, familial 2. Last evaluated: 2003-12-23. Review status: no assertion criteria provided. Collection method: clinical testing. Allele origin: germline. Affected: yes. Observed: 2 variant alleles. Not counted in ClinVar's aggregate classification.

Literature cited by the submitters: PubMed 19043619 (cited by Women's Health and Genetics/Laboratory Corporation of America, LabCorp and Quest Diagnostics Nichols Institute San Juan Capistrano); PubMed 25479140 (cited by 3 submitters); PubMed 28283652 (cited by Women's Health and Genetics/Laboratory Corporation of America, LabCorp and Quest Diagnostics Nichols Institute San Juan Capistrano); PubMed 30254663 (cited by Women's Health and Genetics/Laboratory Corporation of America, LabCorp and Quest Diagnostics Nichols Institute San Juan Capistrano); PubMed 29884841 (cited by Women's Health and Genetics/Laboratory Corporation of America, LabCorp and Quest Diagnostics Nichols Institute San Juan Capistrano); PubMed 29394989 (cited by 4 submitters); PubMed 31131967 (cited by 3 submitters); PubMed 31131559 (cited by 3 submitters); PubMed 33471991 (cited by Quest Diagnostics Nichols Institute San Juan Capistrano); PubMed 32123317 (cited by Quest Diagnostics Nichols Institute San Juan Capistrano); PubMed 35264596 (cited by Quest Diagnostics Nichols Institute San Juan Capistrano); PubMed 34663891 (cited by Quest Diagnostics Nichols Institute San Juan Capistrano).